The following is an entry in ClinVar:

NM_017636.4(TRPM4):c.2713C>T (p.Arg905Trp)

Gene: TRPM4 (transient receptor potential cation channel subfamily M member 4; plus strand). Cytogenetic location: 19q13.33.
Variant type: single nucleotide variant.
Coding change: c.2713C>T on transcript NM_017636.4 (MANE Select); coding-DNA position 2713, C replaced by T.
Protein change: p.Arg905Trp; replaces arginine 905 with tryptophan.
Molecular consequence: missense variant.
Genome position (GRCh38, 1-based): chr19:49,200,367, C>T. VCF-style: chr19-49200367-C-T. GRCh37 (hg19) VCF-style: chr19-49703624-C-T.
Other names: c.2278C>T, p.Arg760Trp (NM_001195227.2); c.2368C>T, p.Arg790Trp (NM_001321281.2); c.1105C>T, p.Arg369Trp (NM_001321282.2); c.2191C>T, p.Arg731Trp (NM_001321283.2); c.1651C>T, p.Arg551Trp (NM_001321285.2); short protein forms R760W, R790W, R369W, R551W, R731W, R905W.
Identifiers: ClinVar variation 1363446 (VCV001363446.9), dbSNP rs767887106, ClinGen allele CA9569626.
Genomic context (GRCh38, chr19:49,200,367, plus strand): 5'-CCGGGTTTGTACCACCTGGGCCGCACTGTCCTCTGCATCGACTTCATGGTTTTCACGGTG[C>T]GGCTGCTTCACATCTTCACGGTCAACAAACAGCTGGGGCCCAAGATCGTCATCGTGAGCA-3'
Protein context (NP_060106.2, residues 895-915): LCIDFMVFTV[Arg905Trp]LLHIFTVNKQ

ClinVar aggregate classification (germline): Uncertain significance. Review status: criteria provided, multiple submitters, no conflicts (2 of 4 stars). 2 submissions from 2 submitters: Uncertain significance (2). Last evaluated 2022-08-22.

Conditions:
Progressive familial heart block type IB (PFHB1B). Identifiers: Orphanet 871, MedGen C1970298, MONDO:0011474, OMIM 604559.

Allele frequency attached by ClinVar (database versions not stated): gnomAD exomes 0.00001; ExAC 0.00002.
gnomAD v4.1: 6 of 1,612,974 alleles (0.00037%); highest among the groups gnomAD compares: South Asian, 0.0022%; no homozygotes.

Submissions (2):

Labcorp Genetics (formerly Invitae), Labcorp
Classification: Uncertain significance for Progressive familial heart block type IB. Last evaluated: 2022-08-22. Review status: criteria provided, single submitter. Criteria: Invitae Variant Classification Sherloc (09022015). Collection method: clinical testing. Allele origin: germline.
Comment: In summary, the available evidence is currently insufficient to determine the role of this variant in disease. Therefore, it has been classified as a Variant of Uncertain Significance. Algorithms developed to predict the effect of missense changes on protein structure and function (SIFT, PolyPhen-2, Align-GVGD) all suggest that this variant is likely to be disruptive. ClinVar contains an entry for this variant (Variation ID: 1363446). This variant has not been reported in the literature in individuals affected with TRPM4-related conditions. This variant is present in population databases (rs767887106, gnomAD 0.006%). This sequence change replaces arginine, which is basic and polar, with tryptophan, which is neutral and slightly polar, at codon 905 of the TRPM4 protein (p.Arg905Trp).

AiLife Diagnostics
Classification: Uncertain significance. Last evaluated: 2021-09-29. Review status: criteria provided, single submitter. Criteria: ACMG Guidelines, 2015. Collection method: clinical testing. Allele origin: germline. Affected: yes. Observed: 1 variant allele.